The following is an entry in ClinVar:

NM_201412.3(LUC7L):c.360T>A (p.Ser120=)

Gene: LUC7L (LUC7 like; minus strand). Cytogenetic location: 16p13.3.
Variant type: single nucleotide variant.
Coding change: c.360T>A on transcript NM_201412.3 (MANE Select); coding-DNA position 360, T replaced by A.
Protein change: p.Ser120=; no amino-acid change (serine 120 retained).
Molecular consequence: synonymous variant.
Genome position (GRCh38, 1-based): chr16:208,084, A>T on the plus strand (T>A on the coding strand, the complement: LUC7L is on the minus strand). VCF-style: chr16-208084-A-T. GRCh37 (hg19) VCF-style: chr16-258083-A-T.
Other names: c.360T>A, p.Ser120= (NM_001320226.2, NM_018032.5); c.201T>A, p.Ser67= (NM_001330420.2).
Identifiers: ClinVar variation 3049261 (VCV003049261.2), dbSNP rs140058041, ClinGen allele CA7770726.

ClinVar aggregate classification (germline): Likely benign (0 of 4 stars; one submission).

Conditions:
LUC7L-related disorder. Also called: LUC7L-related condition.

Allele frequency attached by ClinVar (database versions not stated): ExAC 0.00026; 1000 Genomes Project 0.00040; 1000 Genomes Project 30x 0.00047; ESP Exome Variant Server 0.00077; gnomAD 0.00082; TOPMed 0.00089.
gnomAD v4.1: 247 of 1,608,336 alleles (0.015%); highest among the groups gnomAD compares: African/African-American, 0.3%; 2 homozygotes.

Submission:

PreventionGenetics, part of Exact Sciences
Classification: Likely benign for LUC7L-related condition. Last evaluated: 2019-12-20. Review status: no assertion criteria provided. Collection method: clinical testing. Allele origin: germline.
Comment: This variant is classified as likely benign based on ACMG/AMP sequence variant interpretation guidelines (Richards et al. 2015 PMID: 25741868, with internal and published modifications).